The following is an entry in ClinVar:

ClinVar aggregate classification (germline): Uncertain significance (1 of 4 stars; one submission).

Submission:

Labcorp Genetics (formerly Invitae), Labcorp
Classification: Uncertain significance. Last evaluated: 2022-06-22. Review status: criteria provided, single submitter. Criteria: Invitae Variant Classification Sherloc (09022015). Collection method: clinical testing. Allele origin: germline.
Comment: This variant is not present in population databases (gnomAD no frequency). In summary, the available evidence is currently insufficient to determine the role of this variant in disease. Therefore, it has been classified as a Variant of Uncertain Significance. Algorithms developed to predict the effect of missense changes on protein structure and function are either unavailable or do not agree on the potential impact of this missense change (SIFT: "Deleterious"; PolyPhen-2: "Benign"; Align-GVGD: "Class C0"). This variant has not been reported in the literature in individuals affected with PDE3A-related conditions. This sequence change replaces leucine, which is neutral and non-polar, with valine, which is neutral and non-polar, at codon 240 of the PDE3A protein (p.Leu240Val).

NM_000921.5(PDE3A):c.718C>G (p.Leu240Val)

Genes: PDE3A (phosphodiesterase 3A; plus strand), PDE3A-AS1 (PDE3A antisense RNA 1; minus strand). Cytogenetic location: 12p12.2.
Variant type: single nucleotide variant.
Coding change: c.718C>G on transcript NM_000921.5 (MANE Select); coding-DNA position 718, C replaced by G.
Protein change: p.Leu240Val; replaces leucine 240 with valine.
Molecular consequence: missense variant. On other transcripts: 5 prime UTR variant (1).
Genome position (GRCh38, 1-based): chr12:20,370,002, C>G. VCF-style: chr12-20370002-C-G. GRCh37 (hg19) VCF-style: chr12-20522936-C-G.
Other names: c.718C>G, p.Leu240Val (NM_001378407.1); c.-311C>G (NM_001378408.1); short protein forms L240V.
Identifiers: ClinVar variation 2118771 (VCV002118771.4), dbSNP rs2497914775, ClinGen allele CA384294751.